The following is an entry in ClinVar:

ClinVar aggregate classification (germline): Uncertain significance. Review status: criteria provided, multiple submitters, no conflicts (2 of 4 stars). 2 submissions from 2 submitters: Uncertain significance (2). Last evaluated 2022-12-02.

Conditions:
Familial adenomatous polyposis 2. Also called: MYH-associated polyposis; Adenomas, multiple colorectal; COLORECTAL ADENOMATOUS POLYPOSIS, AUTOSOMAL RECESSIVE; ADENOMAS, MULTIPLE COLORECTAL, AUTOSOMAL RECESSIVE; MUTYH Polyposis; FAP type 2. Identifiers: Orphanet 220460, Orphanet 247798, MedGen C3272841, MONDO:0012041, OMIM 608456.
Hereditary cancer-predisposing syndrome. Also called: Tumor predisposition; Neoplastic Syndromes, Hereditary; Hereditary Cancer Syndrome; Hereditary neoplastic syndrome. Identifiers: Orphanet 140162, MedGen C0027672, MeSH D009386, MONDO:0015356.

Allele frequency attached by ClinVar (database versions not stated): gnomAD exomes below 0.00001; ExAC 0.00001.

Submissions (2):

Labcorp Genetics (formerly Invitae), Labcorp
Classification: Uncertain significance for Familial adenomatous polyposis 2. Last evaluated: 2022-12-02. Review status: criteria provided, single submitter. Criteria: Invitae Variant Classification Sherloc (09022015). Collection method: clinical testing. Allele origin: germline.
Comment: In summary, the available evidence is currently insufficient to determine the role of this variant in disease. Therefore, it has been classified as a Variant of Uncertain Significance. Algorithms developed to predict the effect of missense changes on protein structure and function (SIFT, PolyPhen-2, Align-GVGD) all suggest that this variant is likely to be disruptive. This variant has not been reported in the literature in individuals affected with MUTYH-related conditions. This variant is present in population databases (rs756405535, gnomAD 0.003%). This sequence change replaces leucine, which is neutral and non-polar, with glutamine, which is neutral and polar, at codon 476 of the MUTYH protein (p.Leu476Gln).

Ambry Genetics
Classification: Uncertain significance for Hereditary cancer-predisposing syndrome. Last evaluated: 2020-02-25. Review status: criteria provided, single submitter. Criteria: Ambry Variant Classification Scheme 2023. Collection method: clinical testing. Allele origin: germline.
Comment: The p.L476Q variant (also known as c.1427T>A), located in coding exon 14 of the MUTYH gene, results from a T to A substitution at nucleotide position 1427. The leucine at codon 476 is replaced by glutamine, an amino acid with dissimilar properties. This amino acid position is not well conserved in available vertebrate species. In addition, this alteration is predicted to be deleterious by in silico analysis. Since supporting evidence is limited at this time, the clinical significance of this alteration remains unclear.

NM_001048174.2(MUTYH):c.1343T>A (p.Leu448Gln)

Gene: MUTYH (mutY DNA glycosylase; minus strand). Cytogenetic location: 1p34.1.
Variant type: single nucleotide variant.
Coding change: c.1343T>A on transcript NM_001048174.2 (MANE Select); coding-DNA position 1343, T replaced by A.
Protein change: p.Leu448Gln; replaces leucine 448 with glutamine.
Molecular consequence: missense variant. On other transcripts: non-coding transcript variant (2).
Genome position (GRCh38, 1-based): chr1:45,331,231, A>T on the plus strand (T>A on the coding strand, the complement: MUTYH is on the minus strand). VCF-style: chr1-45331231-A-T. GRCh37 (hg19) VCF-style: chr1-45796903-A-T.
Other names: c.1343T>A, p.Leu448Gln (NM_001048171.2, NM_001048173.2, NM_001293195.2 and 6 more transcripts); c.1346T>A, p.Leu449Gln (NM_001048172.2, NM_001407086.1, NM_001407071.1 and 1 more transcripts); c.1427T>A, p.Leu476Gln (NM_001128425.2); c.1388T>A, p.Leu463Gln (NM_001293190.2); c.1376T>A, p.Leu459Gln (NM_001293191.2, NM_001407069.1, NM_001407077.1); c.1067T>A, p.Leu356Gln (NM_001293192.2, NM_001293196.2, NM_001407091.1); c.998T>A, p.Leu333Gln (NM_001350650.2, NM_001350651.2, NM_001407082.1); c.1385T>A, p.Leu462Gln (NM_001407083.1, NM_001407085.1); and 5 more; short protein forms L448Q, L463Q, L420Q, L435Q, L459Q, L462Q, L356Q, L455Q.
Identifiers: ClinVar variation 1772404 (VCV001772404.7), dbSNP rs756405535, ClinGen allele CA056332.